The following is an entry in ClinVar:

ClinVar aggregate classification (germline): Likely pathogenic (1 of 4 stars; one submission).

Conditions:
Mitochondrial complex I deficiency, nuclear type 26. Also called: Mitochondrial complex 1 deficiency, nuclear type 26. Identifiers: MedGen C4748809, MONDO:0032630, OMIM 618247.

Submission:

Women's Health and Genetics/Laboratory Corporation of America, LabCorp
Classification: Likely pathogenic for Mitochondrial complex I deficiency, nuclear type 26. Last evaluated: 2025-10-29. Review status: criteria provided, single submitter. Criteria: LabCorp Variant Classification Summary - May 2015. Collection method: clinical testing. Allele origin: germline.
Comment: Variant summary: NDUFA9 c.897-1G>C is located in a canonical splice-site and is predicted to affect mRNA splicing resulting in a significantly altered protein due to either exon skipping, shortening, or inclusion of intronic material. Variants that disrupt the consensus splice site are a relatively common cause of aberrant splicing and loss of NDUFA9 function. Several computational tools predict a significant impact on normal splicing: Four predict the variant abolishes a 3' acceptor site. However, these predictions have yet to be confirmed by functional studies. The variant was absent in 251454 control chromosomes. To our knowledge, no occurrence of c.897-1G>C in individuals affected with NDUFA9-related conditions and no experimental evidence demonstrating its impact on protein function have been reported. No submitters have cited clinical-significance assessments for this variant to ClinVar. Based on the evidence outlined above, the variant was classified as likely pathogenic.

NM_005002.5(NDUFA9):c.897-1G>C

Gene: NDUFA9 (NADH:ubiquinone oxidoreductase subunit A9; plus strand). Cytogenetic location: 12p13.32.
Variant type: single nucleotide variant.
Coding change: c.897-1G>C on transcript NM_005002.5 (MANE Select); the canonical splice acceptor site of the intron before coding-DNA position 897, G replaced by C.
Molecular consequence: splice acceptor variant.
Genome position (GRCh38, 1-based): chr12:4,685,258, G>C. VCF-style: chr12-4685258-G-C. GRCh37 (hg19) VCF-style: chr12-4794424-G-C.
Identifiers: ClinVar variation 4687641 (VCV004687641.1).